The following is an entry in ClinVar:

NM_001378609.3(OTOGL):c.2550C>T (p.Phe850=)

Gene: OTOGL (otogelin like; plus strand). Cytogenetic location: 12q21.31.
Variant type: single nucleotide variant.
Coding change: c.2550C>T on transcript NM_001378609.3 (MANE Select); coding-DNA position 2550, C replaced by T.
Protein change: p.Phe850=; no amino-acid change (phenylalanine 850 retained).
Molecular consequence: synonymous variant.
Genome position (GRCh38, 1-based): chr12:80,271,679, C>T. VCF-style: chr12-80271679-C-T. GRCh37 (hg19) VCF-style: chr12-80665459-C-T.
Other names: c.2550C>T, p.Phe850= (NM_001368062.3, NM_001378610.3, NM_173591.7).
Identifiers: ClinVar variation 226933 (VCV000226933.17), dbSNP rs77835094, ClinGen allele CA6700843.

ClinVar aggregate classification (germline): Benign. Review status: criteria provided, multiple submitters, no conflicts (2 of 4 stars). 5 submissions from 5 submitters: Benign (5). Last evaluated 2026-01-05.

Conditions:
OTOGL-related disorder. Also called: OTOGL-related condition.

Allele frequency attached by ClinVar (database versions not stated): ESP Exome Variant Server 0.00033; gnomAD exomes 0.00096 and 0.00257; gnomAD 0.00106 and 0.00123; TOPMed 0.00107; ExAC 0.00274; 1000 Genomes Project 30x 0.00390; 1000 Genomes Project 0.00439.

Submissions (5):

Labcorp Genetics (formerly Invitae), Labcorp
Classification: Benign. Last evaluated: 2026-01-05. Review status: criteria provided, single submitter. Criteria: Invitae Variant Classification Sherloc (09022015). Collection method: clinical testing. Allele origin: germline.

PreventionGenetics, part of Exact Sciences
Classification: Benign for OTOGL-related condition. Last evaluated: 2025-04-02. Review status: criteria provided, single submitter. Criteria: ACMG Guidelines, 2015. Collection method: clinical testing. Allele origin: germline.
Comment: This variant is classified as benign based on ACMG/AMP sequence variant interpretation guidelines (Richards et al. 2015 PMID: 25741868, with internal and published modifications).

GeneDx
Classification: Benign. Last evaluated: 2019-05-23. Review status: criteria provided, single submitter. Criteria: GeneDx Variant Classification Process June 2021. Collection method: clinical testing. Allele origin: germline. Affected: yes.

Laboratory for Molecular Medicine, Mass General Brigham Personalized Medicine
Classification: Benign. Last evaluated: 2014-11-24. Review status: criteria provided, single submitter. Criteria: LMM Criteria. Collection method: clinical testing. Allele origin: germline. Observed: 3 variant alleles.
Comment: Phe841Phe in exon 23 of OTOGL: This variant is not expected to have clinical sig nificance because it does not alter an amino acid residue and is not located wit hin the splice consensus sequence. It has been identified in 1.9% (11/572) of Ea st Asian chromosomes from a broad population by the 1000 Genomes Project (dbSNP rs77835094).

Breakthrough Genomics
Classification: Benign. Review status: criteria provided, single submitter. Criteria: ACMG Guidelines, 2015. Collection method: not provided. Allele origin: germline. Inheritance: Autosomal recessive inheritance. Affected: yes.